The following is an entry in ClinVar:

ClinVar aggregate classification (germline): Conflicting classifications of pathogenicity. Review status: criteria provided, conflicting classifications (1 of 4 stars). 3 submissions from 3 submitters: Uncertain significance (1); Likely benign (2). Last evaluated 2025-10-31.

Conditions:
ASXL2-related disorder. Also called: ASXL2-related condition.
Inborn genetic diseases. Identifiers: MedGen C0950123, MeSH D030342.
Shashi-Pena syndrome (SHAPNS). Identifiers: Orphanet 689408, MedGen C4310672, MONDO:0014963, OMIM 617190.

Allele frequency attached by ClinVar (database versions not stated): gnomAD 0.00004; TOPMed 0.00005; ExAC 0.00007.
gnomAD v4.1: 115 of 1,613,784 alleles (0.0071%); highest among the groups gnomAD compares: Non-Finnish European, 0.0091%; no homozygotes.

Submissions (3):

PreventionGenetics, part of Exact Sciences
Classification: Likely benign for ASXL2-related condition. Last evaluated: 2025-10-31. Review status: criteria provided, single submitter. Criteria: ACMG Guidelines, 2015. Collection method: clinical testing. Allele origin: germline.
Comment: This variant is classified as likely benign based on ACMG/AMP sequence variant interpretation guidelines (Richards et al. 2015 PMID: 25741868, with internal and published modifications).

Ambry Genetics
Classification: Likely benign for Inborn genetic diseases. Last evaluated: 2025-05-14. Review status: criteria provided, single submitter. Criteria: Ambry Variant Classification Scheme 2023. Collection method: clinical testing. Allele origin: germline.

Labcorp Genetics (formerly Invitae), Labcorp
Classification: Uncertain significance. Last evaluated: 2022-06-29. Review status: criteria provided, single submitter. Criteria: Invitae Variant Classification Sherloc (09022015). Collection method: clinical testing. Allele origin: germline.
Comment: This variant is present in population databases (rs775732218, gnomAD 0.009%). This sequence change replaces isoleucine, which is neutral and non-polar, with phenylalanine, which is neutral and non-polar, at codon 1282 of the ASXL2 protein (p.Ile1282Phe). This variant has not been reported in the literature in individuals affected with ASXL2-related conditions. In summary, the available evidence is currently insufficient to determine the role of this variant in disease. Therefore, it has been classified as a Variant of Uncertain Significance. Algorithms developed to predict the effect of missense changes on protein structure and function are either unavailable or do not agree on the potential impact of this missense change (SIFT: "Tolerated"; PolyPhen-2: "Not Available"; Align-GVGD: "Class C0").

NM_018263.6(ASXL2):c.3844A>T (p.Ile1282Phe)

Gene: ASXL2 (ASXL transcriptional regulator 2; minus strand). Cytogenetic location: 2p23.3.
Variant type: single nucleotide variant.
Coding change: c.3844A>T on transcript NM_018263.6 (MANE Select); coding-DNA position 3844, A replaced by T.
Protein change: p.Ile1282Phe; replaces isoleucine 1282 with phenylalanine.
Molecular consequence: missense variant.
Genome position (GRCh38, 1-based): chr2:25,742,493, T>A on the plus strand (A>T on the coding strand, the complement: ASXL2 is on the minus strand). VCF-style: chr2-25742493-T-A. GRCh37 (hg19) VCF-style: chr2-25965362-T-A.
Other names: c.3670A>T, p.Ile1224Phe (NM_001369346.1); c.3064A>T, p.Ile1022Phe (NM_001369347.1); c.3844A>T (NM_018263.4); short protein forms I1022F, I1224F, I1282F.
Identifiers: ClinVar variation 2138514 (VCV002138514.7), dbSNP rs775732218, ClinGen allele CA1557416.
Genomic context (GRCh38, chr2:25,742,493, plus strand): 5'-TGGGGCTGTCTGCAGGCAGAGGAAGAACAGTAGAACTGAAAAGCTCGGGGCTGCTACGGA[T>A]TGCCTTACCTCTCACTGCATGAGCCATCTGCTTCTGTGCTGCCTGAATTAAATCTCTGGC-3'
Protein context (NP_060733.4, residues 1272-1292): QMAHAVRGKA[Ile1282Phe]RSSPELFSST